The following is an entry in ClinVar:

ClinVar aggregate classification (germline): Uncertain significance. Review status: criteria provided, multiple submitters, no conflicts (2 of 4 stars). 3 submissions from 3 submitters: Uncertain significance (3). Last evaluated 2025-07-24.

Conditions:
Amyotrophic lateral sclerosis type 1 (ALS1). Also called: AMYOTROPHIC LATERAL SCLEROSIS 1, FAMILIAL. Identifiers: Orphanet 803, MedGen C1862939, MONDO:0007103, OMIM 105400.
Perry syndrome. Also called: PARKINSONISM WITH ALVEOLAR HYPOVENTILATION AND MENTAL DEPRESSION. Identifiers: Orphanet 178509, MedGen C1868594, MONDO:0008201, OMIM 168605.
Neuronopathy, distal hereditary motor, type 7B. Also called: LOWER MOTOR NEURON DISEASE, DYNACTIN TYPE; NEURONOPATHY, DISTAL HEREDITARY MOTOR, AUTOSOMAL DOMINANT 14; NEURONOPATHY, DISTAL HEREDITARY MOTOR, HARDING TYPE VIIB; NEUROPATHY, DISTAL HEREDITARY MOTOR, HARDING TYPE VIIB; NEUROPATHY, DISTAL HEREDITARY MOTOR, WITH VOCAL CORD PARALYSIS, HARDING TYPE VIIB; Distal Hereditary Motor Neuronopathy Type 7B (dHMN7B). Identifiers: Orphanet 139589, MedGen C1843315, MONDO:0011879, OMIM 607641.
Inborn genetic diseases. Identifiers: MedGen C0950123, MeSH D030342.

Allele frequency attached by ClinVar (database versions not stated): TOPMed 0.00002; ExAC 0.00003; ESP Exome Variant Server 0.00008.

Submissions (3):

Labcorp Genetics (formerly Invitae), Labcorp
Classification: Uncertain significance for Amyotrophic lateral sclerosis type 1; Neuronopathy, distal hereditary motor, type 7B; Perry syndrome. Last evaluated: 2025-07-24. Review status: criteria provided, single submitter. Criteria: Invitae Variant Classification Sherloc (09022015). Collection method: clinical testing. Allele origin: germline.
Comment: This sequence change replaces lysine, which is basic and polar, with asparagine, which is neutral and polar, at codon 1179 of the DCTN1 protein (p.Lys1179Asn). This variant is present in population databases (rs148146325, gnomAD 0.006%). This variant has not been reported in the literature in individuals affected with DCTN1-related conditions. ClinVar contains an entry for this variant (Variation ID: 955557). Invitae Evidence Modeling of protein sequence and biophysical properties (such as structural, functional, and spatial information, amino acid conservation, physicochemical variation, residue mobility, and thermodynamic stability) indicates that this missense variant is not expected to disrupt DCTN1 protein function with a negative predictive value of 95%. In summary, the available evidence is currently insufficient to determine the role of this variant in disease. Therefore, it has been classified as a Variant of Uncertain Significance.

Ambry Genetics
Classification: Uncertain significance for Inborn genetic diseases. Last evaluated: 2025-06-08. Review status: criteria provided, single submitter. Criteria: Ambry Variant Classification Scheme 2023. Collection method: clinical testing. Allele origin: germline.

Fulgent Genetics
Classification: Uncertain significance for Amyotrophic lateral sclerosis type 1; Perry syndrome; Neuronopathy, distal hereditary motor, type 7B. Last evaluated: 2022-03-04. Review status: criteria provided, single submitter. Criteria: ACMG Guidelines, 2015. Collection method: clinical testing. Allele origin: unknown.

NM_004082.5(DCTN1):c.3537G>C (p.Lys1179Asn)

Gene: DCTN1 (dynactin subunit 1; minus strand). Cytogenetic location: 2p13.1.
Variant type: single nucleotide variant.
Coding change: c.3537G>C on transcript NM_004082.5 (MANE Select); coding-DNA position 3537, G replaced by C.
Protein change: p.Lys1179Asn; replaces lysine 1179 with asparagine.
Molecular consequence: missense variant. On other transcripts: non-coding transcript variant (1).
Genome position (GRCh38, 1-based): chr2:74,362,722, C>G on the plus strand (G>C on the coding strand, the complement: DCTN1 is on the minus strand). VCF-style: chr2-74362722-C-G. GRCh37 (hg19) VCF-style: chr2-74589849-C-G.
Other names: c.3462G>C, p.Lys1154Asn (NM_001135040.3); c.3120G>C, p.Lys1040Asn (NM_001135041.3); c.3411G>C, p.Lys1137Asn (NM_001190836.2); c.3516G>C, p.Lys1172Asn (NM_001190837.2); c.3486G>C, p.Lys1162Asn (NM_001378991.1); c.3468G>C, p.Lys1156Asn (NM_001378992.1); c.3135G>C, p.Lys1045Asn (NM_023019.4); short protein forms K1137N, K1156N, K1040N, K1162N, K1172N, K1179N, K1045N, K1154N.
Identifiers: ClinVar variation 955557 (VCV000955557.12), dbSNP rs148146325, ClinGen allele CA1721444.